The following is an entry in ClinVar:

ClinVar aggregate classification (germline): Benign/Likely benign. Review status: criteria provided, multiple submitters, no conflicts (2 of 4 stars). 4 submissions from 4 submitters: Benign (1); Likely benign (3). Last evaluated 2025-05-05.

Conditions:
Tuberous sclerosis syndrome (TSC). Also called: Tuberous Sclerosis Complex; Tuberous sclerosis. Identifiers: Orphanet 805, MedGen C0041341, MONDO:0001734.
Tuberous sclerosis 1 (TSC1). Identifiers: Orphanet 805, MedGen C1854465, MONDO:0008612, OMIM 191100.
Hereditary cancer-predisposing syndrome. Also called: Neoplastic Syndromes, Hereditary; Hereditary neoplastic syndrome; Tumor predisposition; Hereditary Cancer Syndrome. Identifiers: Orphanet 140162, MedGen C0027672, MeSH D009386, MONDO:0015356.

Allele frequency attached by ClinVar (database versions not stated): gnomAD exomes below 0.00001; ExAC 0.00001; gnomAD 0.00001.
gnomAD v4.1: 5 of 1,614,082 alleles (0.00031%); highest among the groups gnomAD compares: Non-Finnish European, 0.00042%; no homozygotes.

Submissions (4):

Labcorp Genetics (formerly Invitae), Labcorp
Classification: Likely benign for Tuberous sclerosis 1. Last evaluated: 2025-05-05. Review status: criteria provided, single submitter. Criteria: Invitae Variant Classification Sherloc (09022015). Collection method: clinical testing. Allele origin: germline.

Myriad Genetics, Inc.
Classification: Benign for Tuberous sclerosis 1. Last evaluated: 2025-04-10. Review status: criteria provided, single submitter. Criteria: Myriad Autosomal Dominant, Autosomal Recessive and X-Linked Classification Criteria (2023). Collection method: clinical testing. Allele origin: unknown.
Comment: This variant is considered benign. This variant is a silent/synonymous amino acid change and it is not expected to impact splicing.

Color Diagnostics, LLC DBA Color Health
Classification: Likely benign for Tuberous sclerosis syndrome. Last evaluated: 2022-11-06. Review status: criteria provided, single submitter. Criteria: ACMG Guidelines, 2015. Collection method: clinical testing. Allele origin: germline.

Ambry Genetics
Classification: Likely benign for Hereditary cancer-predisposing syndrome. Last evaluated: 2019-10-18. Review status: criteria provided, single submitter. Criteria: Ambry Variant Classification Scheme 2023. Collection method: clinical testing. Allele origin: germline.

NM_000368.5(TSC1):c.1954C>T (p.Leu652=)

Gene: TSC1 (TSC complex subunit 1; minus strand). Cytogenetic location: 9q34.13.
Variant type: single nucleotide variant.
Coding change: c.1954C>T on transcript NM_000368.5 (MANE Select); coding-DNA position 1954, C replaced by T.
Protein change: p.Leu652=; no amino-acid change (leucine 652 retained).
Molecular consequence: synonymous variant.
Genome position (GRCh38, 1-based): chr9:132,905,624, G>A on the plus strand (C>T on the coding strand, the complement: TSC1 is on the minus strand). VCF-style: chr9-132905624-G-A. GRCh37 (hg19) VCF-style: chr9-135781011-G-A.
Other names: c.1951C>T, p.Leu651= (NM_001162426.2); c.1801C>T, p.Leu601= (NM_001162427.2); c.1591C>T, p.Leu531= (NM_001362177.2).
Identifiers: ClinVar variation 534511 (VCV000534511.15), dbSNP rs747452647, ClinGen allele CA030232.